The following is an entry in ClinVar:

NM_001004334.4(GPR179):c.2092G>C (p.Ala698Pro)

Gene: GPR179 (G protein-coupled receptor 179; minus strand). Cytogenetic location: 17q12.
Variant type: single nucleotide variant.
Coding change: c.2092G>C on transcript NM_001004334.4 (MANE Select); coding-DNA position 2092, G replaced by C.
Protein change: p.Ala698Pro; replaces alanine 698 with proline.
Molecular consequence: missense variant.
Genome position (GRCh38, 1-based): chr17:38,331,477, C>G on the plus strand (G>C on the coding strand, the complement: GPR179 is on the minus strand). VCF-style: chr17-38331477-C-G. GRCh37 (hg19) VCF-style: chr17-36487360-C-G.
Other names: short protein forms A698P.
Identifiers: ClinVar variation 1717990 (VCV001717990.5), dbSNP rs2037360159, ClinGen allele CA398884246.

ClinVar aggregate classification (germline): Uncertain significance (1 of 4 stars; one submission).

Submission:

Labcorp Genetics (formerly Invitae), Labcorp
Classification: Uncertain significance. Last evaluated: 2022-08-24. Review status: criteria provided, single submitter. Criteria: Invitae Variant Classification Sherloc (09022015). Collection method: clinical testing. Allele origin: germline.
Comment: In summary, the available evidence is currently insufficient to determine the role of this variant in disease. Therefore, it has been classified as a Variant of Uncertain Significance. Algorithms developed to predict the effect of missense changes on protein structure and function are either unavailable or do not agree on the potential impact of this missense change (SIFT: "Tolerated"; PolyPhen-2: "Probably Damaging"; Align-GVGD: "Class C0"). This variant has not been reported in the literature in individuals affected with GPR179-related conditions. This variant is not present in population databases (gnomAD no frequency). This sequence change replaces alanine, which is neutral and non-polar, with proline, which is neutral and non-polar, at codon 698 of the GPR179 protein (p.Ala698Pro).